The following is an entry in ClinVar:

ClinVar aggregate classification (germline): Uncertain significance (1 of 4 stars; one submission).

gnomAD v4.1: 7 of 1,614,036 alleles (0.00043%); highest among the groups gnomAD compares: African/African-American, 0.0013%; no homozygotes.

Submission:

Labcorp Genetics (formerly Invitae), Labcorp
Classification: Uncertain significance. Last evaluated: 2024-05-18. Review status: criteria provided, single submitter. Criteria: Invitae Variant Classification Sherloc (09022015). Collection method: clinical testing. Allele origin: germline.
Comment: This sequence change replaces valine, which is neutral and non-polar, with methionine, which is neutral and non-polar, at codon 4860 of the HMCN1 protein (p.Val4860Met). This variant is present in population databases (rs181736492, gnomAD 0.007%). This variant has not been reported in the literature in individuals affected with HMCN1-related conditions. An algorithm developed to predict the effect of missense changes on protein structure and function (PolyPhen-2) suggests that this variant is likely to be disruptive. In summary, the available evidence is currently insufficient to determine the role of this variant in disease. Therefore, it has been classified as a Variant of Uncertain Significance.

NM_031935.3(HMCN1):c.14578G>A (p.Val4860Met)

Gene: HMCN1 (hemicentin 1; plus strand). Cytogenetic location: 1q31.1.
Variant type: single nucleotide variant.
Coding change: c.14578G>A on transcript NM_031935.3 (MANE Select); coding-DNA position 14578, G replaced by A.
Protein change: p.Val4860Met; replaces valine 4860 with methionine.
Molecular consequence: missense variant.
Genome position (GRCh38, 1-based): chr1:186,145,893, G>A. VCF-style: chr1-186145893-G-A. GRCh37 (hg19) VCF-style: chr1-186115025-G-A.
Other names: short protein forms V4860M.
Identifiers: ClinVar variation 3678264 (VCV003678264.2).